The following is an entry in ClinVar:

ClinVar aggregate classification (germline): Uncertain significance (1 of 4 stars; one submission).

Allele frequency attached by ClinVar (database versions not stated): gnomAD exomes below 0.00001.
gnomAD v4.1: 1 of 1,613,694 alleles (0.000062%); highest among the groups gnomAD compares: Non-Finnish European, 0.000085%; no homozygotes.

Submission:

Labcorp Genetics (formerly Invitae), Labcorp
Classification: Uncertain significance. Last evaluated: 2022-08-23. Review status: criteria provided, single submitter. Criteria: Invitae Variant Classification Sherloc (09022015). Collection method: clinical testing. Allele origin: germline.
Comment: This sequence change replaces alanine, which is neutral and non-polar, with serine, which is neutral and polar, at codon 98 of the IMPG2 protein (p.Ala98Ser). This variant is not present in population databases (gnomAD no frequency). This variant has not been reported in the literature in individuals affected with IMPG2-related conditions. ClinVar contains an entry for this variant (Variation ID: 1042657). Algorithms developed to predict the effect of missense changes on protein structure and function output the following: SIFT: "Tolerated"; PolyPhen-2: "Benign"; Align-GVGD: "Class C0". The serine amino acid residue is found in multiple mammalian species, which suggests that this missense change does not adversely affect protein function. In summary, the available evidence is currently insufficient to determine the role of this variant in disease. Therefore, it has been classified as a Variant of Uncertain Significance.

NM_016247.4(IMPG2):c.292G>T (p.Ala98Ser)

Gene: IMPG2 (interphotoreceptor matrix proteoglycan 2; minus strand). Cytogenetic location: 3q12.3.
Variant type: single nucleotide variant.
Coding change: c.292G>T on transcript NM_016247.4 (MANE Select); coding-DNA position 292, G replaced by T.
Protein change: p.Ala98Ser; replaces alanine 98 with serine.
Molecular consequence: missense variant.
Genome position (GRCh38, 1-based): chr3:101,319,626, C>A on the plus strand (G>T on the coding strand, the complement: IMPG2 is on the minus strand). VCF-style: chr3-101319626-C-A. GRCh37 (hg19) VCF-style: chr3-101038470-C-A.
Other names: short protein forms A98S.
Identifiers: ClinVar variation 1042657 (VCV001042657.6), dbSNP rs2058801309, ClinGen allele CA353857623.